The following is an entry in ClinVar:

ClinVar aggregate classification (germline): Uncertain significance (1 of 4 stars; one submission).

Conditions:
GREB1L-related disorder. Also called: GREB1L-related condition.

gnomAD v4.1: 34 of 1,551,450 alleles (0.0022%); highest among the groups gnomAD compares: Non-Finnish European, 0.0028%; no homozygotes.

Submission:

PreventionGenetics, part of Exact Sciences
Classification: Uncertain significance for GREB1L-related condition. Last evaluated: 2024-10-18. Review status: criteria provided, single submitter. Criteria: ACMG Guidelines, 2015. Collection method: clinical testing. Allele origin: germline.
Comment: The GREB1L c.1811T>C variant is predicted to result in the amino acid substitution p.Val604Ala. To our knowledge, this variant has not been reported in the literature. This variant is reported in 0.0033% of alleles in individuals of European (Non-Finnish) descent in gnomAD. At this time, the clinical significance of this variant is uncertain due to the absence of conclusive functional and genetic evidence.

NM_001142966.3(GREB1L):c.1811T>C (p.Val604Ala)

Gene: GREB1L (GREB1 like retinoic acid receptor coactivator; plus strand). Cytogenetic location: 18q11.1.
Variant type: single nucleotide variant.
Coding change: c.1811T>C on transcript NM_001142966.3 (MANE Select); coding-DNA position 1811, T replaced by C.
Protein change: p.Val604Ala; replaces valine 604 with alanine.
Molecular consequence: missense variant.
Genome position (GRCh38, 1-based): chr18:21,451,113, T>C. VCF-style: chr18-21451113-T-C. GRCh37 (hg19) VCF-style: chr18-19031074-T-C.
Other names: c.1940T>C, p.Val647Ala (NM_001410867.1); c.1484T>C, p.Val495Ala (NM_001410868.1); short protein forms V604A, V647A, V495A.
Identifiers: ClinVar variation 4989652 (VCV004989652.1).